The following is an entry in ClinVar:

ClinVar aggregate classification (germline): Uncertain significance. Review status: criteria provided, multiple submitters, no conflicts (2 of 4 stars). 4 submissions from 4 submitters: Uncertain significance (4). Last evaluated 2024-09-27.

Conditions:
Lymphangiomyomatosis (LAM). Also called: Lymphangioleiomyomatosis, somatic; Lymphangioleiomyomatosis. Identifiers: Orphanet 538, MedGen C0751674, MONDO:0011705, OMIM 606690.
Isolated focal cortical dysplasia type II (FCORD2). Also called: Focal cortical dysplasia type II; CORTICAL DYSPLASIA OF TAYLOR. Identifiers: Orphanet 268994, MedGen C1846385, MONDO:0011818, OMIM 607341, HP:0032051.
Tuberous sclerosis 2 (TSC2). Identifiers: Orphanet 805, MedGen C1860707, MONDO:0013199, OMIM 613254.
Hereditary cancer-predisposing syndrome. Also called: Hereditary Cancer Syndrome; Neoplastic Syndromes, Hereditary; Hereditary neoplastic syndrome; Tumor predisposition. Identifiers: Orphanet 140162, MedGen C0027672, MeSH D009386, MONDO:0015356.

Submissions (4):

Ambry Genetics
Classification: Uncertain significance for Hereditary cancer-predisposing syndrome. Last evaluated: 2024-09-27. Review status: criteria provided, single submitter. Criteria: Ambry Variant Classification Scheme 2023. Collection method: clinical testing. Allele origin: germline.

Fulgent Genetics
Classification: Uncertain significance for Lymphangiomyomatosis; Isolated focal cortical dysplasia type II; Tuberous sclerosis 2. Last evaluated: 2024-03-01. Review status: criteria provided, single submitter. Criteria: ACMG Guidelines, 2015. Collection method: clinical testing. Allele origin: germline.

Labcorp Genetics (formerly Invitae), Labcorp
Classification: Uncertain significance for Tuberous sclerosis 2. Last evaluated: 2022-12-23. Review status: criteria provided, single submitter. Criteria: Invitae Variant Classification Sherloc (09022015). Collection method: clinical testing. Allele origin: germline.
Comment: In summary, the available evidence is currently insufficient to determine the role of this variant in disease. Therefore, it has been classified as a Variant of Uncertain Significance. Advanced modeling of protein sequence and biophysical properties (such as structural, functional, and spatial information, amino acid conservation, physicochemical variation, residue mobility, and thermodynamic stability) performed at Invitae indicates that this missense variant is not expected to disrupt TSC2 protein function. ClinVar contains an entry for this variant (Variation ID: 820511). This variant has not been reported in the literature in individuals affected with TSC2-related conditions. This variant is not present in population databases (gnomAD no frequency). This sequence change replaces glycine, which is neutral and non-polar, with glutamic acid, which is acidic and polar, at codon 668 of the TSC2 protein (p.Gly668Glu).

Genome-Nilou Lab
Classification: Uncertain significance for Tuberous sclerosis 2. Last evaluated: 2021-11-07. Review status: criteria provided, single submitter. Criteria: ACMG Guidelines, 2015. Collection method: clinical testing. Allele origin: germline. Affected: no.

NM_000548.5(TSC2):c.2003G>A (p.Gly668Glu)

Gene: TSC2 (TSC complex subunit 2; plus strand). Cytogenetic location: 16p13.3.
Variant type: single nucleotide variant.
Coding change: c.2003G>A on transcript NM_000548.5 (MANE Select); coding-DNA position 2003, G replaced by A.
Protein change: p.Gly668Glu; replaces glycine 668 with glutamic acid.
Molecular consequence: missense variant.
Genome position (GRCh38, 1-based): chr16:2,071,840, G>A. VCF-style: chr16-2071840-G-A. GRCh37 (hg19) VCF-style: chr16-2121841-G-A.
Other names: c.2003G>A, p.Gly668Glu (NM_001077183.3, NM_001114382.3, NM_001363528.2 and 3 more transcripts); c.1892G>A, p.Gly631Glu (NM_001318827.2); c.1856G>A, p.Gly619Glu (NM_001318829.2); c.1403G>A, p.Gly468Glu (NM_001318831.2); c.2036G>A, p.Gly679Glu (NM_001318832.2); short protein forms G631E, G468E, G619E, G679E, G668E.
Identifiers: ClinVar variation 820511 (VCV000820511.17), dbSNP rs1406015247, ClinGen allele CA394274447.